The following is an entry in ClinVar:

NM_000368.5(TSC1):c.2692C>T (p.Gln898Ter)

Gene: TSC1 (TSC complex subunit 1; minus strand). Cytogenetic location: 9q34.13.
Variant type: single nucleotide variant.
Coding change: c.2692C>T on transcript NM_000368.5 (MANE Select); coding-DNA position 2692, C replaced by T.
Protein change: p.Gln898Ter; replaces glutamine 898 with a stop codon.
Molecular consequence: nonsense.
Genome position (GRCh38, 1-based): chr9:132,897,544, G>A on the plus strand (C>T on the coding strand, the complement: TSC1 is on the minus strand). VCF-style: chr9-132897544-G-A. GRCh37 (hg19) VCF-style: chr9-135772931-G-A.
Other names: c.2689C>T, p.Gln897Ter (NM_001162426.2); c.2539C>T, p.Gln847Ter (NM_001162427.2); c.2329C>T, p.Gln777Ter (NM_001362177.2); short protein forms Q898*, Q847*, Q897*, Q777*.
Identifiers: ClinVar variation 48992 (VCV000048992.16), dbSNP rs118203728, ClinGen allele CA006876.

ClinVar aggregate classification (germline): Pathogenic. Review status: criteria provided, multiple submitters, no conflicts (2 of 4 stars). 4 submissions from 4 submitters: Pathogenic (3). 1 of the submissions does not count toward it. Last evaluated 2022-08-15.

Conditions:
Tuberous sclerosis syndrome (TSC). Also called: Tuberous Sclerosis Complex; Tuberous sclerosis. Identifiers: Orphanet 805, MedGen C0041341, MONDO:0001734.
Tuberous sclerosis 1 (TSC1). Identifiers: Orphanet 805, MedGen C1854465, MONDO:0008612, OMIM 191100.
Hereditary cancer-predisposing syndrome. Also called: Neoplastic Syndromes, Hereditary; Tumor predisposition; Hereditary Cancer Syndrome; Hereditary neoplastic syndrome. Identifiers: Orphanet 140162, MedGen C0027672, MeSH D009386, MONDO:0015356.

Submissions (4):

Labcorp Genetics (formerly Invitae), Labcorp
Classification: Pathogenic for Tuberous sclerosis 1. Last evaluated: 2022-08-15. Review status: criteria provided, single submitter. Criteria: Invitae Variant Classification Sherloc (09022015). Collection method: clinical testing. Allele origin: germline.
Comment: For these reasons, this variant has been classified as Pathogenic. ClinVar contains an entry for this variant (Variation ID: 48992). This variant is also known as C2913T, Q898X. This premature translational stop signal has been observed in individual(s) with tuberous sclerosis (PMID: 9803264; Invitae). In at least one individual the variant was observed to be de novo. This variant is not present in population databases (gnomAD no frequency). This sequence change creates a premature translational stop signal (p.Gln898*) in the TSC1 gene. It is expected to result in an absent or disrupted protein product. Loss-of-function variants in TSC1 are known to be pathogenic (PMID: 10227394, 17304050).

Genome-Nilou Lab
Classification: Pathogenic for Tuberous sclerosis 1. Last evaluated: 2021-11-07. Review status: criteria provided, single submitter. Criteria: ACMG Guidelines, 2015. Collection method: clinical testing. Allele origin: germline. Affected: no.

Ambry Genetics
Classification: Pathogenic for Hereditary cancer-predisposing syndrome. Last evaluated: 2016-03-17. Review status: criteria provided, single submitter. Criteria: Ambry Variant Classification Scheme 2023. Collection method: clinical testing. Allele origin: germline.
Comment: The p.Q898* pathogenic mutation (also known as c.2692C>T), located in coding exon 19 of the TSC1 gene, results from a C to T substitution at nucleotide position 2692. This changes the amino acid from a glutamine to a stop codon within coding exon 19. This mutation was detected in an individual who satisfied established diagnostic criteria for Tuberous sclerosis complex (Young JM, et al. Ann. Hum. Genet. 1998 May; 62(Pt 3):203-13). In addition to the clinical data presented in the literature, since premature stop codons are typically deleterious in nature, this alteration is interpreted as a disease-causing mutation (ACMG Recommendations for Standards for Interpretation and Reporting of Sequence Variations. Revision 2007. Genet Med. 2008;10:294).

Tuberous sclerosis database (TSC1)
No classification provided. Condition: TSC. Review status: no classification provided. Criteria: Tuberous Sclerosis Database Assertion Criteria 2015. Collection method: curation. Allele origin: germline. Affected: yes. Not counted in ClinVar's aggregate classification.

Literature cited by the submitters: PubMed 9803264 (cited by Labcorp Genetics (formerly Invitae), Labcorp and Ambry Genetics); PubMed 10227394 (cited by Labcorp Genetics (formerly Invitae), Labcorp); PubMed 17304050 (cited by Labcorp Genetics (formerly Invitae), Labcorp).